The following is an entry in ClinVar:

NM_014738.6(TMEM94):c.3634C>T (p.Pro1212Ser)

Gene: TMEM94 (transmembrane protein 94; plus strand). Cytogenetic location: 17q25.1.
Variant type: single nucleotide variant.
Coding change: c.3634C>T on transcript NM_014738.6 (MANE Select); coding-DNA position 3634, C replaced by T.
Protein change: p.Pro1212Ser; replaces proline 1212 with serine.
Molecular consequence: missense variant.
Genome position (GRCh38, 1-based): chr17:75,498,319, C>T. VCF-style: chr17-75498319-C-T. GRCh37 (hg19) VCF-style: chr17-73494400-C-T.
Other names: c.3664C>T, p.Pro1222Ser (NM_001321148.2); c.3646C>T, p.Pro1216Ser (NM_001321149.2); c.3586C>T, p.Pro1196Ser (NM_001351202.2); c.3661C>T, p.Pro1221Ser (NM_001351203.2); c.3634C>T (NM_014738.4); short protein forms P1196S, P1212S, P1216S, P1221S, P1222S.
Identifiers: ClinVar variation 1336941 (VCV001336941.39), dbSNP rs141765616, ClinGen allele CA8762564.
Genomic context (GRCh38, chr17:75,498,319, plus strand): 5'-CAGAGCTTCTGTGACAGCTCCCGGGACCGCAACCTCACCAACTGCTCCTCCGTCATGCTG[C>T]CCAGGTGGGTCCCAGCCCCAGAGATCCACCCATCGCCTGCCTCGCCTCGAGGCTTCCTCC-3'
Protein context (NP_055553.3, residues 1202-1222): NLTNCSSVML[Pro1212Ser]SNDDRAPAWF

ClinVar aggregate classification (germline): Likely benign. Review status: criteria provided, multiple submitters, no conflicts (2 of 4 stars). 5 submissions from 5 submitters: Likely benign (5). Last evaluated 2024-12-01.

Conditions:
Inborn genetic diseases. Identifiers: MedGen C0950123, MeSH D030342.

Allele frequency attached by ClinVar (database versions not stated): gnomAD exomes 0.00060; ESP Exome Variant Server 0.00069.
gnomAD v4.1: 1,044 of 1,613,028 alleles (0.065%); highest among the groups gnomAD compares: Middle Eastern, 1.2%; 5 homozygotes.

Submissions (5):

CeGaT Center for Human Genetics Tuebingen
Classification: Likely benign. Last evaluated: 2024-12-01. Review status: criteria provided, single submitter. Criteria: CeGaT Center For Human Genetics Tuebingen Variant Classification Criteria Version 2. Collection method: clinical testing. Allele origin: germline. Affected: yes. Observed: 5 variant alleles.
Comment: TMEM94: BP4, BS2

Blueprint Genetics
Classification: Likely benign. Last evaluated: 2024-11-27. Review status: criteria provided, single submitter. Criteria: ACMG Guidelines, 2015. Collection method: clinical testing. Allele origin: germline.

Ambry Genetics
Classification: Likely benign for Inborn genetic diseases. Last evaluated: 2022-05-06. Review status: criteria provided, single submitter. Criteria: Ambry Variant Classification Scheme 2023. Collection method: clinical testing. Allele origin: germline.

Genetic Services Laboratory, University of Chicago
Classification: Likely benign. Last evaluated: 2021-03-01. Review status: criteria provided, single submitter. Criteria: ACMG Guidelines, 2015. Collection method: clinical testing. Allele origin: germline. Affected: no.

Breakthrough Genomics
Classification: Likely benign. Review status: criteria provided, single submitter. Criteria: ACMG Guidelines, 2015. Collection method: not provided. Allele origin: germline. Inheritance: Autosomal recessive inheritance. Affected: yes.